The following is an entry in ClinVar:

NM_000497.4(CYP11B1):c.596-2A>T

Genes: CYP11B1 (cytochrome P450 family 11 subfamily B member 1; minus strand), LOC106799833 (CYP11B1 recombination region; plus strand). Cytogenetic location: 8q24.3.
Variant type: single nucleotide variant.
Coding change: c.596-2A>T on transcript NM_000497.4 (MANE Select); the canonical splice acceptor site of the intron before coding-DNA position 596, A replaced by T.
Molecular consequence: splice acceptor variant.
Genome position (GRCh38, 1-based): chr8:142,876,887, T>A on the plus strand (A>T on the coding strand, the complement: CYP11B1 is on the minus strand). VCF-style: chr8-142876887-T-A. GRCh37 (hg19) VCF-style: chr8-143958303-T-A.
Other names: c.596-2A>T (NM_001026213.1, NM_000497.3).
Identifiers: ClinVar variation 1481332 (VCV001481332.8), dbSNP rs775946442, ClinGen allele CA4905362.

ClinVar aggregate classification (germline): Pathogenic/Likely pathogenic. Review status: criteria provided, multiple submitters, no conflicts (2 of 4 stars). 3 submissions from 3 submitters: Pathogenic (1); Likely pathogenic (2). Last evaluated 2025-01-31.

Conditions:
Deficiency of steroid 11-beta-monooxygenase (CYP11B1). Also called: ADRENAL HYPERPLASIA IV; P450C11B1 DEFICIENCY; STEROID 11-BETA-HYDROXYLASE DEFICIENCY; ADRENAL HYPERPLASIA, CONGENITAL, DUE TO STEROID 11-BETA-HYDROXYLASE DEFICIENCY; Congenital adrenal hyperplasia due to 11-beta-hydroxylase deficiency; 11-BETA-HYDROXYLASE DEFICIENCY. Identifiers: Orphanet 90795, MedGen C0268292, MONDO:0008729, OMIM 202010. Disease mechanism: loss of function.

Allele frequency attached by ClinVar (database versions not stated): ExAC 0.00001; gnomAD exomes 0.00001.
gnomAD v4.1: 37 of 1,614,144 alleles (0.0023%); highest among the groups gnomAD compares: Non-Finnish European, 0.003%; no homozygotes.

Submissions (3):

Labcorp Genetics (formerly Invitae), Labcorp
Classification: Likely pathogenic. Last evaluated: 2025-01-31. Review status: criteria provided, single submitter. Criteria: Invitae Variant Classification Sherloc (09022015). Collection method: clinical testing. Allele origin: germline.
Comment: This sequence change affects an acceptor splice site in intron 3 of the CYP11B1 gene. It is expected to disrupt RNA splicing. Variants that disrupt the donor or acceptor splice site typically lead to a loss of protein function (PMID: 16199547), and loss-of-function variants in CYP11B1 are known to be pathogenic (PMID: 8506298, 26476331). This variant is present in population databases (rs775946442, gnomAD 0.002%). This variant has not been reported in the literature in individuals affected with CYP11B1-related conditions. ClinVar contains an entry for this variant (Variation ID: 1481332). Algorithms developed to predict the effect of sequence changes on RNA splicing suggest that this variant may disrupt the consensus splice site. In summary, the currently available evidence indicates that the variant is pathogenic, but additional data are needed to prove that conclusively. Therefore, this variant has been classified as Likely Pathogenic.

Baylor Genetics
Classification: Likely pathogenic for Deficiency of steroid 11-beta-monooxygenase. Last evaluated: 2024-03-25. Review status: criteria provided, single submitter. Criteria: ACMG Guidelines, 2015. Collection method: clinical testing. Allele origin: unknown.

Clinical Biochemistry Laboratory, Health Services Laboratory
Classification: Pathogenic for Deficiency of steroid 11-beta-monooxygenase. Last evaluated: 2023-11-20. Review status: criteria provided, single submitter. Criteria: ACMG Guidelines, 2015. Collection method: clinical testing. Allele origin: germline. Affected: yes.
Comment: ACMG:PVS1 PM2 PM3

Literature cited by the submitters: PubMed 16199547 (cited by Labcorp Genetics (formerly Invitae), Labcorp); PubMed 8506298 (cited by Labcorp Genetics (formerly Invitae), Labcorp); PubMed 26476331 (cited by Labcorp Genetics (formerly Invitae), Labcorp).